The following is an entry in ClinVar:

NM_003611.3(OFD1):c.151C>T (p.Pro51Ser)

Gene: OFD1 (OFD1 centriole and centriolar satellite protein; plus strand). Cytogenetic location: Xp22.2.
Variant type: single nucleotide variant.
Coding change: c.151C>T on transcript NM_003611.3 (MANE Select); coding-DNA position 151, C replaced by T.
Protein change: p.Pro51Ser; replaces proline 51 with serine.
Molecular consequence: missense variant. On other transcripts: 5 prime UTR variant (1).
Genome position (GRCh38, 1-based): chrX:13,736,517, C>T. VCF-style: chrX-13736517-C-T. GRCh37 (hg19) VCF-style: chrX-13754636-C-T.
Other names: c.151C>T, p.Pro51Ser (NM_001330209.2); c.-395C>T (NM_001330210.2); short protein forms P51S.
Identifiers: ClinVar variation 1803455 (VCV001803455.1), dbSNP rs2518758213, ClinGen allele CA412333138.
Genomic context (GRCh38, chrX:13,736,517, plus strand): 5'-TTTGTTTTTATTTTATGCTAGACACAACTTCGAAACCAGCTAATTCATGAGTTGATGCAC[C>T]CTGTATTGAGTGGAGAACTGCAGCCTCGGTCCATTTCAGTAGAAGGGAGCTCCCTCTTAA-3'
Protein context (NP_003602.1, residues 41-61): RNQLIHELMH[Pro51Ser]VLSGELQPRS

ClinVar aggregate classification (germline): Uncertain significance (1 of 4 stars; one submission).

Submission:

GeneDx
Classification: Uncertain significance. Last evaluated: 2022-06-09. Review status: criteria provided, single submitter. Criteria: GeneDx Variant Classification Process June 2021. Collection method: clinical testing. Allele origin: germline. Affected: yes.
Comment: Not observed at significant frequency in large population cohorts (gnomAD); In silico analysis supports that this missense variant has a deleterious effect on protein structure/function; Has not been previously published as pathogenic or benign to our knowledge